The following is an entry in ClinVar:

NM_003072.5(SMARCA4):c.648G>C (p.Gln216His)

Gene: SMARCA4 (SWI/SNF related BAF chromatin remodeling complex subunit ATPase 4; plus strand). Cytogenetic location: 19p13.2.
Variant type: single nucleotide variant.
Coding change: c.648G>C on transcript NM_003072.5 (MANE Select); coding-DNA position 648, G replaced by C.
Protein change: p.Gln216His; replaces glutamine 216 with histidine.
Molecular consequence: missense variant. On other transcripts: non-coding transcript variant (1).
Genome position (GRCh38, 1-based): chr19:10,986,481, G>C. VCF-style: chr19-10986481-G-C. GRCh37 (hg19) VCF-style: chr19-11097157-G-C.
Other names: c.648G>C, p.Gln216His (NM_001128844.3, NM_001128845.2, NM_001128846.2 and 5 more transcripts); c.648G>C (NM_001128849.2); short protein forms Q216H.
Identifiers: ClinVar variation 238507 (VCV000238507.17), dbSNP rs878854236, ClinGen allele CA10583715.

ClinVar aggregate classification (germline): Conflicting classifications of pathogenicity. Review status: criteria provided, conflicting classifications (1 of 4 stars). 5 submissions from 5 submitters: Uncertain significance (4); Likely benign (1). Last evaluated 2025-12-10.

Conditions:
Rhabdoid tumor predisposition syndrome 2 (RTPS2). Identifiers: Orphanet 231108, Orphanet 69077, MedGen C2750074, MONDO:0013224, OMIM 613325.
Otosclerosis 12. Identifiers: MedGen C5935610, MONDO:0968980, OMIM 620792.
Intellectual disability, autosomal dominant 16 (CSS4). Also called: COFFIN-SIRIS SYNDROME 4. Identifiers: Orphanet 1465, MedGen C3553249, MONDO:0013821, OMIM 614609.
Hereditary cancer-predisposing syndrome. Also called: Neoplastic Syndromes, Hereditary; Hereditary neoplastic syndrome; Tumor predisposition; Hereditary Cancer Syndrome. Identifiers: Orphanet 140162, MedGen C0027672, MeSH D009386, MONDO:0015356.

Allele frequency attached by ClinVar (database versions not stated): gnomAD 0.00001; gnomAD exomes 0.00001 and 0.00002; TOPMed 0.00001.
gnomAD v4.1: 25 of 1,552,262 alleles (0.0016%); highest among the groups gnomAD compares: Non-Finnish European, 0.002%; no homozygotes.

Submissions (5):

Labcorp Genetics (formerly Invitae), Labcorp
Classification: Uncertain significance for Rhabdoid tumor predisposition syndrome 2. Last evaluated: 2025-12-10. Review status: criteria provided, single submitter. Criteria: Invitae Variant Classification Sherloc (09022015). Collection method: clinical testing. Allele origin: germline.
Comment: This sequence change replaces glutamine, which is neutral and polar, with histidine, which is basic and polar, at codon 216 of the SMARCA4 protein (p.Gln216His). This variant is not present in population databases (gnomAD no frequency). This variant has not been reported in the literature in individuals affected with SMARCA4-related conditions. ClinVar contains an entry for this variant (Variation ID: 238507). Invitae Evidence Modeling of protein sequence and biophysical properties (such as structural, functional, and spatial information, amino acid conservation, physicochemical variation, residue mobility, and thermodynamic stability) has been performed for this missense variant. However, the output from this modeling did not meet the statistical confidence thresholds required to predict the impact of this variant on SMARCA4 protein function. In summary, the available evidence is currently insufficient to determine the role of this variant in disease. Therefore, it has been classified as a Variant of Uncertain Significance.

GeneDx
Classification: Uncertain significance. Last evaluated: 2023-10-08. Review status: criteria provided, single submitter. Criteria: GeneDx Variant Classification Process June 2021. Collection method: clinical testing. Allele origin: germline. Affected: yes.
Comment: Has not been previously published as pathogenic or benign to our knowledge; In silico analysis supports that this missense variant does not alter protein structure/function; This variant is associated with the following publications: (PMID: 24658002)

Ambry Genetics
Classification: Likely benign for Hereditary cancer-predisposing syndrome. Last evaluated: 2023-02-28. Review status: criteria provided, single submitter. Criteria: Ambry Variant Classification Scheme 2023. Collection method: clinical testing. Allele origin: germline.

Department of Pathology and Laboratory Medicine, Sinai Health System
Classification: Uncertain significance for Rhabdoid tumor predisposition syndrome 2; Intellectual disability, autosomal dominant 16; Otosclerosis 12. Last evaluated: 2022-06-21. Review status: criteria provided, single submitter. Criteria: ACMG Guidelines, 2015. Collection method: clinical testing. Allele origin: germline. Affected: yes.

Genome-Nilou Lab
Classification: Uncertain significance for Intellectual disability, autosomal dominant 16. Last evaluated: 2021-07-15. Review status: criteria provided, single submitter. Criteria: ACMG Guidelines, 2015. Collection method: clinical testing. Allele origin: germline. Affected: no.